The following is an entry in ClinVar:

NM_022740.5(HIPK2):c.3105G>A (p.Gln1035=)

Gene: HIPK2 (homeodomain interacting protein kinase 2; minus strand). Cytogenetic location: 7q34.
Variant type: single nucleotide variant.
Coding change: c.3105G>A on transcript NM_022740.5 (MANE Select); coding-DNA position 3105, G replaced by A.
Protein change: p.Gln1035=; no amino-acid change (glutamine 1035 retained).
Molecular consequence: synonymous variant.
Genome position (GRCh38, 1-based): chr7:139,575,149, C>T on the plus strand (G>A on the coding strand, the complement: HIPK2 is on the minus strand). VCF-style: chr7-139575149-C-T. GRCh37 (hg19) VCF-style: chr7-139259895-C-T.
Other names: c.3024G>A, p.Gln1008= (NM_001113239.3).
Identifiers: ClinVar variation 2658015 (VCV002658015.24), dbSNP rs56300656, ClinGen allele CA4510638.

ClinVar aggregate classification (germline): Likely benign (1 of 4 stars; one submission).

Allele frequency attached by ClinVar (database versions not stated): TOPMed 0.00083; 1000 Genomes Project 30x 0.00094; ESP Exome Variant Server 0.00119; 1000 Genomes Project 0.00120; gnomAD 0.00262; ExAC 0.00493.
gnomAD v4.1: 2,976 of 1,594,626 alleles (0.19%); highest among the groups gnomAD compares: Non-Finnish European, 0.14%; 13 homozygotes.

Submission:

CeGaT Center for Human Genetics Tuebingen
Classification: Likely benign. Last evaluated: 2022-09-01. Review status: criteria provided, single submitter. Criteria: CeGaT Center For Human Genetics Tuebingen Variant Classification Criteria Version 2. Collection method: clinical testing. Allele origin: germline. Affected: yes. Observed: 1 variant allele.
Comment: HIPK2: BP4, BP7